The following is an entry in ClinVar:

NM_000782.5(CYP24A1):c.1339dup (p.Ile447fs)

Gene: CYP24A1 (cytochrome P450 family 24 subfamily A member 1; minus strand). Cytogenetic location: 20q13.2.
Variant type: Duplication.
Coding change: c.1339dup on transcript NM_000782.5 (MANE Select); coding-DNA position 1339, one base duplicated (A; older notation c.1339dupA).
Protein change: p.Ile447fs; shifts the reading frame from isoleucine 447.
Molecular consequence: frameshift variant. On other transcripts: intron variant (3).
Genome position (GRCh38, 1-based): chr20:54,157,483, T duplicated on the plus strand (A on the coding strand, the reverse complement: CYP24A1 is on the minus strand); the first of 6 consecutive T bases (chr20:54,157,483-54,157,488); duplicating any one gives the same sequence. VCF-style (leftmost placement, unchanged base first): chr20-54157482-A-AT. GRCh37 (hg19) VCF-style: chr20-52774021-A-AT.
Other names: c.1339dup, p.Ile447fs (NM_001424340.1, NM_001424341.1); c.1237-194dup (NM_001128915.2, NM_001424343.1, NM_001424342.1); short protein forms I447fs.
Identifiers: ClinVar variation 4074266 (VCV004074266.1).
Genomic context (GRCh38, chr20:54,157,482, plus strand): 5'-AATCGGCGACCAATGCACATTCTTTTTCCAACGCCAAATGGAAGATGCGCAAAAGGATTA[A>AT]TTTTTTCCTTCTCCTGAAGCCAACGTTCAGGTCTAAACTGACTTGAATCTTCAAAATTGT-3'

ClinVar aggregate classification (germline): Pathogenic (1 of 4 stars; one submission).

Conditions:
Hypercalcemia, infantile, 1 (HCINF1). Identifiers: Orphanet 300547, MedGen CN031131, MONDO:0020739, OMIM 143880.

Submission:

Rare Kidney Stone Consortium and the Mayo Clinic Hyperoxaluria Center, Mayo Clinic
Classification: Pathogenic for Hypercalcemia, infantile, 1. Last evaluated: 2025-05-01. Review status: criteria provided, single submitter. Criteria: ACMG Guidelines, 2015. Collection method: research. Allele origin: germline.
Comment: ACMG: PVS1, PM2

heterozygote

Literature cited by the submitters: PubMed 34805638.